The following is an entry in ClinVar:

ClinVar aggregate classification (germline): Pathogenic (1 of 4 stars; one submission).

Conditions:
Melnick-Fraser syndrome (BOR). Also called: Branchiootorenal syndrome; Branchiootorenal Syndrome (BORS); Branchio-oto-renal syndrome. Identifiers: Orphanet 107, MedGen C0265234, MONDO:0007029.

Submission:

Labcorp Genetics (formerly Invitae), Labcorp
Classification: Pathogenic for Melnick-Fraser syndrome. Last evaluated: 2021-03-29. Review status: criteria provided, single submitter. Criteria: Invitae Variant Classification Sherloc (09022015). Collection method: clinical testing. Allele origin: germline.
Comment: This variant has not been reported in the literature in individuals with EYA1-related conditions. This sequence change creates a premature translational stop signal (p.Arg425Thrfs*27) in the EYA1 gene. It is expected to result in an absent or disrupted protein product. Loss-of-function variants in EYA1 are known to be pathogenic (PMID: 10464653, 18220287). This variant is not present in population databases (ExAC no frequency). For these reasons, this variant has been classified as Pathogenic.

Literature cited by the submitters: PubMed 10464653; PubMed 18220287.

NM_000503.6(EYA1):c.1272dup (p.Arg425fs)

Gene: EYA1 (EYA transcriptional coactivator and phosphatase 1; minus strand). Cytogenetic location: 8q13.3.
Variant type: Duplication.
Coding change: c.1272dup on transcript NM_000503.6 (MANE Select); coding-DNA position 1272, one base duplicated (A; older notation c.1272dupA).
Protein change: p.Arg425fs; shifts the reading frame from arginine 425.
Molecular consequence: frameshift variant.
Genome position (GRCh38, 1-based): chr8:71,216,780, T duplicated on the plus strand (A on the coding strand, the reverse complement: EYA1 is on the minus strand). VCF-style (leftmost placement, unchanged base first): chr8-71216779-G-GT. GRCh37 (hg19) VCF-style: chr8-72129014-G-GT.
Other names: c.1254dup, p.Arg419fs (NM_001288574.2, NM_172059.5); c.906dup, p.Arg303fs (NM_001288575.2); c.1359dup, p.Arg454fs (NM_001370333.1); c.1272dup, p.Arg425fs (NM_001370334.1, NM_001370335.1, NM_172058.4); c.1251dup, p.Arg418fs (NM_001370336.1); short protein forms R454fs, R425fs, R303fs, R418fs, R419fs.
Identifiers: ClinVar variation 1422984 (VCV001422984.8), dbSNP rs2128854024, ClinGen allele CA2573143310.